The following is an entry in ClinVar:

ClinVar aggregate classification (germline): Uncertain significance (1 of 4 stars; one submission).

Submission:

Labcorp Genetics (formerly Invitae), Labcorp
Classification: Uncertain significance. Last evaluated: 2023-06-23. Review status: criteria provided, single submitter. Criteria: Invitae Variant Classification Sherloc (09022015). Collection method: clinical testing. Allele origin: germline.
Comment: This sequence change replaces leucine, which is neutral and non-polar, with valine, which is neutral and non-polar, at codon 165 of the TMPRSS15 protein (p.Leu165Val). This variant is not present in population databases (gnomAD no frequency). This variant has not been reported in the literature in individuals affected with TMPRSS15-related conditions. An algorithm developed to predict the effect of missense changes on protein structure and function (PolyPhen-2) suggests that this variant is likely to be tolerated. Algorithms developed to predict the effect of sequence changes on RNA splicing suggest that this variant may create or strengthen a splice site. In summary, the available evidence is currently insufficient to determine the role of this variant in disease. Therefore, it has been classified as a Variant of Uncertain Significance.

NM_002772.3(TMPRSS15):c.493C>G (p.Leu165Val)

Gene: TMPRSS15 (transmembrane serine protease 15; minus strand). Cytogenetic location: 21q21.1.
Variant type: single nucleotide variant.
Coding change: c.493C>G on transcript NM_002772.3 (MANE Select); coding-DNA position 493, C replaced by G.
Protein change: p.Leu165Val; replaces leucine 165 with valine.
Molecular consequence: missense variant.
Genome position (GRCh38, 1-based): chr21:18,383,630, G>C on the plus strand (C>G on the coding strand, the complement: TMPRSS15 is on the minus strand). VCF-style: chr21-18383630-G-C. GRCh37 (hg19) VCF-style: chr21-19755947-G-C.
Other names: short protein forms L165V.
Identifiers: ClinVar variation 2799530 (VCV002799530.3), dbSNP rs2516816562, ClinGen allele CA409852903.